The following is an entry in ClinVar:

NM_002769.5(PRSS1):c.556G>A (p.Val186Met)

Genes: TRB (T cell receptor beta locus; plus strand), PRSS1 (serine protease 1; plus strand). Cytogenetic location: 7q34.
Variant type: single nucleotide variant.
Coding change: c.556G>A on transcript NM_002769.5 (MANE Select); coding-DNA position 556, G replaced by A.
Protein change: p.Val186Met; replaces valine 186 with methionine.
Molecular consequence: missense variant. On other transcripts: non-coding transcript variant (5).
Genome position (GRCh38, 1-based): chr7:142,752,532, G>A. VCF-style: chr7-142752532-G-A. GRCh37 (hg19) VCF-style: chr7-142460383-G-A.
Other names: short protein forms V186M.
Identifiers: ClinVar variation 1748357 (VCV001748357.3), dbSNP rs1157690064, ClinGen allele CA369610371.

ClinVar aggregate classification (germline): Uncertain significance (1 of 4 stars; one submission).

Conditions:
Hereditary pancreatitis (PCTT). Also called: Hereditary chronic pancreatitis; PRSS1-Related Hereditary Pancreatitis. Identifiers: Orphanet 676, MedGen C0238339, MONDO:0008185, OMIM 167800.

Submission:

Ambry Genetics
Classification: Uncertain significance for Hereditary pancreatitis. Last evaluated: 2024-07-24. Review status: criteria provided, single submitter. Criteria: Ambry Variant Classification Scheme 2023. Collection method: clinical testing. Allele origin: germline.
Comment: The p.V186M variant (also known as c.556G>A), located in coding exon 4 of the PRSS1 gene, results from a G to A substitution at nucleotide position 556. The valine at codon 186 is replaced by methionine, an amino acid with highly similar properties. This amino acid position is poorly conserved in available vertebrate species. In addition, the in silico prediction for this alteration is inconclusive. Based on the available evidence, the clinical significance of this variant remains unclear.